The following is an entry in ClinVar:

NC_000006.12:g.46080187T>C

Gene: CLIC5 (CLIC family member 5; minus strand). Cytogenetic location: 6p21.1.
Variant type: single nucleotide variant.
Molecular consequence: missense variant (on NM_001114086.2). On other transcripts: intron variant (1).
Genome position: GRCh38 VCF-style: chr6-46080187-T-C. GRCh37 (hg19) VCF-style: chr6-46047924-T-C.
Other names: c.56A>G, p.Tyr19Cys (NM_001114086.2, NM_001370650.1); c.-55+49317A>G (NM_001370649.1); short protein forms Y19C.
Identifiers: ClinVar variation 4702658 (VCV004702658.1).
Genomic context (GRCh38, chr6:46,080,187, plus strand): 5'-TACTCATGGACATCATCATAATGGGGACTTTCATTTTCTTCTGGCTGGTCTGGAACCTCA[T>C]ACGTCCTCTCATTTTGGATTGTGTCATAGATGGTGCTGTAGTCTTCGTCATTCATGCTTA-3'

ClinVar aggregate classification (germline): Uncertain significance (1 of 4 stars; one submission).

gnomAD v4.1: 2 of 1,551,706 alleles (0.00013%); highest among the groups gnomAD compares: Non-Finnish European, 0.00017%; no homozygotes.

Submission:

Labcorp Genetics (formerly Invitae), Labcorp
Classification: Uncertain significance. Last evaluated: 2025-05-03. Review status: criteria provided, single submitter. Criteria: Invitae Variant Classification Sherloc (09022015). Collection method: clinical testing. Allele origin: germline.
Comment: This sequence change replaces tyrosine, which is neutral and polar, with cysteine, which is neutral and slightly polar, at codon 19 of the CLIC5 protein (p.Tyr19Cys). This variant is present in population databases (no rsID available, gnomAD 0.002%). This variant has not been reported in the literature in individuals affected with CLIC5-related conditions. An algorithm developed to predict the effect of missense changes on protein structure and function (PolyPhen-2) suggests that this variant is likely to be tolerated. In summary, the available evidence is currently insufficient to determine the role of this variant in disease. Therefore, it has been classified as a Variant of Uncertain Significance.